The following is an entry in ClinVar:

NM_019885.4(CYP26B1):c.51G>A (p.Ala17=)

Gene: CYP26B1 (cytochrome P450 family 26 subfamily B member 1; minus strand). Cytogenetic location: 2p13.2.
Variant type: single nucleotide variant.
Coding change: c.51G>A on transcript NM_019885.4 (MANE Select); coding-DNA position 51, G replaced by A.
Protein change: p.Ala17=; no amino-acid change (alanine 17 retained).
Molecular consequence: synonymous variant.
Genome position (GRCh38, 1-based): chr2:72,147,784, C>T on the plus strand (G>A on the coding strand, the complement: CYP26B1 is on the minus strand). VCF-style: chr2-72147784-C-T. GRCh37 (hg19) VCF-style: chr2-72374913-C-T.
Other names: c.51G>A, p.Ala17= (NM_001277742.2).
Identifiers: ClinVar variation 774829 (VCV000774829.31), dbSNP rs368056183, ClinGen allele CA1708188.

ClinVar aggregate classification (germline): Benign/Likely benign. Review status: criteria provided, multiple submitters, no conflicts (2 of 4 stars). 2 submissions from 2 submitters: Benign (1); Likely benign (1). Last evaluated 2026-01-25.

Allele frequency attached by ClinVar (database versions not stated): 1000 Genomes Project 0.00040; 1000 Genomes Project 30x 0.00047; TOPMed 0.00096; gnomAD exomes 0.00099; ESP Exome Variant Server 0.00132; ExAC 0.00224.
gnomAD v4.1: 2,512 of 1,567,246 alleles (0.16%); highest among the groups gnomAD compares: Non-Finnish European, 0.2%; 1 homozygote.

Submissions (2):

Labcorp Genetics (formerly Invitae), Labcorp
Classification: Benign. Last evaluated: 2026-01-25. Review status: criteria provided, single submitter. Criteria: Invitae Variant Classification Sherloc (09022015). Collection method: clinical testing. Allele origin: germline.

CeGaT Center for Human Genetics Tuebingen
Classification: Likely benign. Last evaluated: 2024-03-01. Review status: criteria provided, single submitter. Criteria: CeGaT Center For Human Genetics Tuebingen Variant Classification Criteria Version 2. Collection method: clinical testing. Allele origin: germline. Affected: yes. Observed: 1 variant allele.
Comment: CYP26B1: BP4, BP7